The following is an entry in ClinVar:

NM_005228.5(EGFR):c.-3G>A

Gene: EGFR (epidermal growth factor receptor; plus strand). Cytogenetic location: 7p11.2.
Variant type: single nucleotide variant.
Coding change: c.-3G>A on transcript NM_005228.5 (MANE Select); 3 bases upstream of the start codon, G replaced by A.
Molecular consequence: 5 prime UTR variant.
Genome position (GRCh38, 1-based): chr7:55,019,275, G>A. VCF-style: chr7-55019275-G-A. GRCh37 (hg19) VCF-style: chr7-55086968-G-A.
Other names: c.-3G>A (NM_001346897.2, NM_001346898.2, NM_001346899.2 and 4 more transcripts).
Identifiers: ClinVar variation 3843751 (VCV003843751.3).

ClinVar aggregate classification (germline): Conflicting classifications of pathogenicity. Review status: criteria provided, conflicting classifications (1 of 4 stars). 2 submissions from 2 submitters: Uncertain significance (1); Likely benign (1). Last evaluated 2025-05-28.

Conditions:
Hereditary cancer-predisposing syndrome. Also called: Tumor predisposition; Hereditary Cancer Syndrome; Hereditary neoplastic syndrome; Neoplastic Syndromes, Hereditary. Identifiers: Orphanet 140162, MedGen C0027672, MeSH D009386, MONDO:0015356.

Submissions (2):

Ambry Genetics
Classification: Uncertain significance for Hereditary cancer-predisposing syndrome. Last evaluated: 2025-05-28. Review status: criteria provided, single submitter. Criteria: Ambry Variant Classification Scheme 2023. Collection method: clinical testing. Allele origin: germline.
Comment: The c.-3G>A variant is located in the 5' untranslated region (5&rsquo; UTR) of the EGFR gene. This variant results from a G to A substitution 3 bases upstream from the first translated codon. This nucleotide position is highly conserved in available vertebrate species. Based on the available evidence, the clinical significance of this variant remains unclear.

Blueprint Genetics
Classification: Likely benign. Last evaluated: 2024-11-07. Review status: criteria provided, single submitter. Criteria: ACMG Guidelines, 2015. Collection method: clinical testing. Allele origin: germline.